The following is an entry in ClinVar:

ClinVar aggregate classification (germline): Likely pathogenic (1 of 4 stars; one submission).

Conditions:
Alstrom syndrome (ALMS). Identifiers: Orphanet 64, MedGen C0268425, MONDO:0008763, OMIM 203800.

Submission:

Labcorp Genetics (formerly Invitae), Labcorp
Classification: Likely pathogenic for Alstrom syndrome. Last evaluated: 2022-03-14. Review status: criteria provided, single submitter. Criteria: Invitae Variant Classification Sherloc (09022015). Collection method: clinical testing. Allele origin: germline.
Comment: In summary, the currently available evidence indicates that the variant is pathogenic, but additional data are needed to prove that conclusively. Therefore, this variant has been classified as Likely Pathogenic. This variant has not been reported in the literature in individuals affected with ALMS1-related conditions. This variant results in a copy number gain of the genomic region encompassing exon(s) 13-16 of the ALMS1 gene. While the exact position of this variant cannot be determined from the data, sub-genic copy number gains are generally in tandem (PMID: 25640679). This variant is predicted to be out-of-frame, and may result in an absent or disrupted protein product. Loss-of-function variants in ALMS1 are known to be pathogenic (PMID: 17594715).

Literature cited by the submitters: PubMed 25640679; PubMed 17594715.

NC_000002.11:g.(?_73777384)_(73800561_?)dup

Gene: ALMS1 (ALMS1 centrosome and basal body associated protein; plus strand). Cytogenetic location: 2p13.1.
Variant type: Duplication.
Identifiers: ClinVar variation 2426076 (VCV002426076.3).